The following is an entry in ClinVar:

NM_017617.5(NOTCH1):c.4927G>C (p.Ala1643Pro)

Gene: NOTCH1 (notch receptor 1; minus strand). Cytogenetic location: 9q34.3.
Variant type: single nucleotide variant.
Coding change: c.4927G>C on transcript NM_017617.5 (MANE Select); coding-DNA position 4927, G replaced by C.
Protein change: p.Ala1643Pro; replaces alanine 1643 with proline.
Molecular consequence: missense variant.
Genome position (GRCh38, 1-based): chr9:136,504,764, C>G on the plus strand (G>C on the coding strand, the complement: NOTCH1 is on the minus strand). VCF-style: chr9-136504764-C-G. GRCh37 (hg19) VCF-style: chr9-139399216-C-G.
Other names: short protein forms A1643P.
Identifiers: ClinVar variation 1901885 (VCV001901885.5), dbSNP rs566680728, ClinGen allele CA375644349.

ClinVar aggregate classification (germline): Uncertain significance (1 of 4 stars; one submission).

Conditions:
Adams-Oliver syndrome 5 (AOS5). Identifiers: Orphanet 974, MedGen C4014970, MONDO:0014459, OMIM 616028.

Submission:

Labcorp Genetics (formerly Invitae), Labcorp
Classification: Uncertain significance for Adams-Oliver syndrome 5. Last evaluated: 2022-01-18. Review status: criteria provided, single submitter. Criteria: Invitae Variant Classification Sherloc (09022015). Collection method: clinical testing. Allele origin: germline.
Comment: In summary, the available evidence is currently insufficient to determine the role of this variant in disease. Therefore, it has been classified as a Variant of Uncertain Significance. Advanced modeling of protein sequence and biophysical properties (such as structural, functional, and spatial information, amino acid conservation, physicochemical variation, residue mobility, and thermodynamic stability) performed at Invitae indicates that this missense variant is not expected to disrupt NOTCH1 protein function. This variant has not been reported in the literature in individuals affected with NOTCH1-related conditions. This variant is not present in population databases (gnomAD no frequency). This sequence change replaces alanine, which is neutral and non-polar, with proline, which is neutral and non-polar, at codon 1643 of the NOTCH1 protein (p.Ala1643Pro).